The following is an entry in ClinVar:

ClinVar aggregate classification (germline): Likely pathogenic (1 of 4 stars; one submission).

Conditions:
Dilated cardiomyopathy 1G (CMD1G). Identifiers: Orphanet 154, MedGen C1858763, MONDO:0011400, OMIM 604145.
Autosomal recessive limb-girdle muscular dystrophy type 2J (LGMDR10). Also called: Limb-girdle muscular dystrophy, type 2J; MUSCULAR DYSTROPHY, LIMB-GIRDLE, AUTOSOMAL RECESSIVE 10. Identifiers: Orphanet 140922, MedGen C1837342, MONDO:0012127, OMIM 608807.

Submission:

Labcorp Genetics (formerly Invitae), Labcorp
Classification: Likely pathogenic for Dilated cardiomyopathy 1G; Limb-girdle muscular dystrophy, type 2J. Last evaluated: 2019-02-08. Review status: criteria provided, single submitter. Criteria: Invitae Variant Classification Sherloc (09022015). Collection method: clinical testing. Allele origin: germline.
Comment: This sequence change is an Alu-mediated insertion in exon 273 of the TTN mRNA (c.52063_52064insAlu), causing a frameshift at codon 17355. This creates a premature translational stop signal (p.His17355Argfs*17) and is expected to result in a disrupted protein product. This variant is found in the A-band of this gene. While this particular variant has not been reported in the literature, truncating variants in the A-band of TTN are significantly overrepresented in patients with dilated cardiomyopathy and are considered to be likely pathogenic for the disease (PMID: 25589632). For these reasons, this variant has been classified as Likely Pathogenic.

Literature cited by the submitters: PubMed 25589632.

NM_001267550.2:c.52063_52064insAlu

Gene: TTN (titin; minus strand). Cytogenetic location: 2q31.2.
Variant type: Insertion.
Identifiers: ClinVar variation 870299 (VCV000870299.1).